The following is an entry in ClinVar:

ClinVar aggregate classification (germline): Uncertain significance (1 of 4 stars; one submission).

Conditions:
Cardiovascular phenotype. Identifiers: MedGen CN230736.

Submission:

Ambry Genetics
Classification: Uncertain significance for Cardiovascular phenotype. Last evaluated: 2026-07-02. Review status: criteria provided, single submitter. Criteria: Ambry Variant Classification Scheme 2023. Collection method: clinical testing. Allele origin: germline.
Comment: The p.S566N variant (also known as c.1697G>A), located in coding exon 8 of the PKP2 gene, results from a G to A substitution at nucleotide position 1697. The serine at codon 566 is replaced by asparagine, an amino acid with highly similar properties. This amino acid position is conserved. In addition, the in silico prediction for this alteration is inconclusive. Based on the available evidence, the clinical significance of this variant remains unclear.

NM_001005242.3(PKP2):c.1565G>A (p.Ser522Asn)

Gene: PKP2 (plakophilin 2; minus strand). Cytogenetic location: 12p11.21.
Variant type: single nucleotide variant.
Coding change: c.1565G>A on transcript NM_001005242.3 (MANE Select); coding-DNA position 1565, G replaced by A.
Protein change: p.Ser522Asn; replaces serine 522 with asparagine.
Molecular consequence: missense variant.
Genome position (GRCh38, 1-based): chr12:32,824,154, C>T on the plus strand (G>A on the coding strand, the complement: PKP2 is on the minus strand). VCF-style: chr12-32824154-C-T. GRCh37 (hg19) VCF-style: chr12-32977088-C-T.
Other names: c.1565G>A, p.Ser522Asn (NM_001407155.1, NM_001407156.1, NM_001407161.1); c.1697G>A, p.Ser566Asn (NM_001407157.1, NM_004572.4); c.1238G>A, p.Ser413Asn (NM_001407158.1, NM_001407159.1, NM_001407160.1 and 1 more transcripts); short protein forms S413N, S566N, S522N.
Identifiers: ClinVar variation 5026783 (VCV005026783.1).
Genomic context (GRCh38, chr12:32,824,154, plus strand): 5'-AGTGAGTCAATGAGTCCGTCACATCTTCTCATCGCTTTTCTCCCATCAGCGCCAGCAGAA[C>T]TCATGTTTCTATCAGAAAAAACAAAAAACAAAAAAGTAAGTCTAGGCTGTGTATCCAACA-3'
Protein context (NP_001005242.2, residues 512-532): YNVTGCLRNM[Ser522Asn]SAGADGRKAM